The following is an entry in ClinVar:

ClinVar aggregate classification (germline): Benign. Review status: criteria provided, multiple submitters, no conflicts (2 of 4 stars). 2 submissions from 2 submitters: Benign (2). Last evaluated 2018-01-13.

Conditions:
Megalencephalic leukoencephalopathy with subcortical cysts. Also called: VAN DER KNAAP DISEASE. Identifiers: Orphanet 2478, MedGen C1858854, MONDO:0011391.

Allele frequency attached by ClinVar (database versions not stated): ExAC 0.73711; ESP Exome Variant Server 0.75481; gnomAD 0.76388 and 0.76330; gnomAD exomes 0.72068 and 0.73059; 1000 Genomes Project 30x 0.79716; TOPMed 0.75764; 1000 Genomes Project 0.79892.

Submissions (2):

Illumina Laboratory Services, Illumina
Classification: Benign for Megalencephalic leukoencephalopathy with subcortical cysts. Last evaluated: 2018-01-13. Review status: criteria provided, single submitter. Criteria: ICSL Variant Classification Criteria 13 December 2019. Collection method: clinical testing. Allele origin: germline.
Comment: This variant was observed in the ICSL laboratory as part of a predisposition screen in an ostensibly healthy population. It had not been previously curated by ICSL or reported in the Human Gene Mutation Database (HGMD: prior to June 1st, 2018), and was therefore a candidate for classification through an automated scoring system. Utilizing variant allele frequency, disease prevalence and penetrance estimates, and inheritance mode, an automated score was calculated to assess if this variant is too frequent to cause the disease. Based on the score and internal cut-off values, a variant classified as benign is not then subjected to further curation. The score for this variant resulted in a classification of benign for this disease.

Breakthrough Genomics
Classification: Benign. Review status: criteria provided, single submitter. Criteria: ACMG Guidelines, 2015. Collection method: not provided. Allele origin: germline. Inheritance: Autosomal recessive inheritance. Affected: yes.

NM_152722.5(HEPACAM):c.*1279A>G

Genes: HEPACAM (hepatic and glial cell adhesion molecule; minus strand), HEPN1 (hepatocellular carcinoma, down-regulated 1; plus strand). Cytogenetic location: 11q24.2.
Variant type: single nucleotide variant.
Coding change: c.*1279A>G on transcript NM_152722.5 (MANE Select); 1279 bases downstream of the stop codon, A replaced by G.
Molecular consequence: 3 prime UTR variant.
Genome position (GRCh38, 1-based): chr11:124,919,859, T>C on the plus strand (A>G on the coding strand, the complement: HEPACAM is on the minus strand). VCF-style: chr11-124919859-T-C. GRCh37 (hg19) VCF-style: chr11-124789755-T-C.
Identifiers: ClinVar variation 303295 (VCV000303295.6), dbSNP rs3802904, ClinGen allele CA6345493.
Genomic context (GRCh38, chr11:124,919,859, plus strand): 5'-GAGCTGGAGTTTAGGAGACTAGGGATGCAAGGACCCTTGGAGGCATTAAGGAGGAGGGAA[T>C]GGAATACACAGAGGGCCTCCTTCTCTTTCAGCTTTTTAATTGCCCTCTCTCCTCACACAG-3'